The following is an entry in ClinVar:

NM_001166108.2(PALLD):c.382C>T (p.Leu128Phe)

Gene: PALLD (palladin, cytoskeletal associated protein; plus strand). Cytogenetic location: 4q32.3.
Variant type: single nucleotide variant.
Coding change: c.382C>T on transcript NM_001166108.2 (MANE Select); coding-DNA position 382, C replaced by T.
Protein change: p.Leu128Phe; replaces leucine 128 with phenylalanine.
Molecular consequence: missense variant.
Genome position (GRCh38, 1-based): chr4:168,511,886, C>T. VCF-style: chr4-168511886-C-T. GRCh37 (hg19) VCF-style: chr4-169433037-C-T.
Other names: c.382C>T, p.Leu128Phe (NM_016081.4); short protein forms L128F.
Identifiers: ClinVar variation 2448454 (VCV002448454.2), dbSNP rs560402989, ClinGen allele CA109883065.

ClinVar aggregate classification (germline): Uncertain significance (1 of 4 stars; one submission).

Allele frequency attached by ClinVar (database versions not stated): gnomAD 0.00001.
gnomAD v4.1: 1 of 1,614,142 alleles (0.000062%); highest among the groups gnomAD compares: African/African-American, 0.0013%; no homozygotes.

Submission:

Ambry Genetics
Classification: Uncertain significance. Last evaluated: 2022-11-24. Review status: criteria provided, single submitter. Criteria: Ambry Variant Classification Scheme 2023. Collection method: clinical testing. Allele origin: germline.
Comment: The p.L128F variant (also known as c.382C>T), located in coding exon 1 of the PALLD gene, results from a C to T substitution at nucleotide position 382. The leucine at codon 128 is replaced by phenylalanine, an amino acid with highly similar properties. This amino acid position is conserved. In addition, this alteration is predicted to be tolerated by in silico analysis. Since supporting evidence is limited at this time, the clinical significance of this alteration remains unclear.